The following is an entry in ClinVar:

NM_014679.5(CEP57):c.288C>T (p.Thr96=)

Gene: CEP57 (centrosomal protein 57; plus strand). Cytogenetic location: 11q21.
Variant type: single nucleotide variant.
Coding change: c.288C>T on transcript NM_014679.5 (MANE Select); coding-DNA position 288, C replaced by T.
Protein change: p.Thr96=; no amino-acid change (threonine 96 retained).
Molecular consequence: synonymous variant. On other transcripts: intron variant (3).
Genome position (GRCh38, 1-based): chr11:95,813,017, C>T. VCF-style: chr11-95813017-C-T. GRCh37 (hg19) VCF-style: chr11-95546181-C-T.
Other names: c.261C>T, p.Thr87= (NM_001243776.2); c.288C>T, p.Thr96= (NM_001243777.2, NM_001440871.1, NM_001440872.1 and 4 more transcripts); c.207C>T, p.Thr69= (NM_001363604.2, NM_001440869.1, NM_001440870.1 and 3 more transcripts); c.203-451C>T (NM_001440873.1, NM_001440881.1); c.122-451C>T (NM_001440880.1); c.288C>T (NM_014679.4).
Identifiers: ClinVar variation 4822620 (VCV004822620.5).

ClinVar aggregate classification (germline): Likely benign. Review status: criteria provided, multiple submitters, no conflicts (2 of 4 stars). 2 submissions from 2 submitters: Likely benign (2). Last evaluated 2026-06-19.

Conditions:
Inborn genetic diseases. Identifiers: MedGen C0950123, MeSH D030342.

gnomAD v4.1: 7 of 1,613,906 alleles (0.00043%); highest among the groups gnomAD compares: Non-Finnish European, 0.00059%; no homozygotes.

Submissions (2):

Ambry Genetics
Classification: Likely benign for Inborn genetic diseases. Last evaluated: 2026-06-19. Review status: criteria provided, single submitter. Criteria: Ambry Variant Classification Scheme 2023. Collection method: clinical testing. Allele origin: germline.

CeGaT Center for Human Genetics Tuebingen
Classification: Likely benign. Last evaluated: 2026-02-01. Review status: criteria provided, single submitter. Criteria: CeGaT Center For Human Genetics Tuebingen Variant Classification Criteria Version 2. Collection method: clinical testing. Allele origin: germline. Affected: yes. Observed: 1 variant allele.
Comment: CEP57: BP4, BP7